The following is an entry in ClinVar:

NM_015192.4(PLCB1):c.469A>G (p.Thr157Ala)

Gene: PLCB1 (phospholipase C beta 1; plus strand). Cytogenetic location: 20p12.3.
Variant type: single nucleotide variant.
Coding change: c.469A>G on transcript NM_015192.4 (MANE Select); coding-DNA position 469, A replaced by G.
Protein change: p.Thr157Ala; replaces threonine 157 with alanine.
Molecular consequence: missense variant.
Genome position (GRCh38, 1-based): chr20:8,647,904, A>G. VCF-style: chr20-8647904-A-G. GRCh37 (hg19) VCF-style: chr20-8628551-A-G.
Other names: c.469A>G, p.Thr157Ala (NM_182734.3); short protein forms T157A.
Identifiers: ClinVar variation 1339255 (VCV001339255.2), dbSNP rs2123290762, ClinGen allele CA408262578.
Genomic context (GRCh38, chr20:8,647,904, plus strand): 5'-AGAAAAAAAAGCTTTTTTAAAAAAATCAAACCCTTGTTTTTCTGCTTCTCCAACAGCTAT[A>G]CTAAACTTAAGCTGCAAGTCACTCCAGAAGGGCGTATTCCTCTCAAAAAGTAAGCTTTGT-3'
Protein context (NP_056007.1, residues 147-167): SRDAFLEKAY[Thr157Ala]KLKLQVTPEG

ClinVar aggregate classification (germline): Uncertain significance (1 of 4 stars; one submission).

Conditions:
Developmental and epileptic encephalopathy, 12 (DEE12). Identifiers: MedGen C3150988, MONDO:0013389, OMIM 613722.

Allele frequency attached by ClinVar (database versions not stated): gnomAD exomes below 0.00001.
gnomAD v4.1: 1 of 1,606,166 alleles (0.000062%); highest among the groups gnomAD compares: South Asian, 0.0011%; no homozygotes.

Submission:

Neuberg Centre For Genomic Medicine, NCGM
Classification: Uncertain significance for Developmental and epileptic encephalopathy, 12. Review status: criteria provided, single submitter. Criteria: ACMG Guidelines, 2015. Collection method: clinical testing. Allele origin: germline. Affected: yes.
Comment: The missense variant p.T157A in PLCB1 (NM_015192.4) has not been reported previously as a pathogenic variant nor as a benign variant, to our knowledge. The p.T157A variant is novel (not in any individuals) in gnomAD Exomes and is novel (not in any individuals) in 1000 Genomes. The p.T157A missense variant is predicted to be damaging by both SIFT and PolyPhen2. The threonine residue at codon 157 of PLCB1 is conserved in all mammalian species. The nucleotide c.469 in PLCB1 is predicted conserved by GERP++ and PhyloP across 100 vertebrates. For these reasons, this variant has been classified as Uncertain Significance.